The following is an entry in ClinVar:

NM_006295.3(VARS1):c.1981C>A (p.Pro661Thr)

Genes: VARS1 (valyl-tRNA synthetase 1; minus strand), VARS2 (valyl-tRNA synthetase 2, mitochondrial; plus strand). Cytogenetic location: 6p21.33.
Variant type: single nucleotide variant.
Coding change: c.1981C>A on transcript NM_006295.3 (MANE Select); coding-DNA position 1981, C replaced by A.
Protein change: p.Pro661Thr; replaces proline 661 with threonine.
Molecular consequence: missense variant.
Genome position (GRCh38, 1-based): chr6:31,782,540, G>T on the plus strand (C>A on the coding strand, the complement: VARS1 is on the minus strand). VCF-style: chr6-31782540-G-T. GRCh37 (hg19) VCF-style: chr6-31750317-G-T.
Other names: short protein forms P661T.
Identifiers: ClinVar variation 522588 (VCV000522588.2), dbSNP rs1401228799, ClinGen allele CA363457923.

ClinVar aggregate classification (germline): Likely pathogenic (0 of 4 stars; one submission).

Conditions:
Neurodevelopmental disorder with microcephaly, seizures, and cortical atrophy. Identifiers: MedGen C4540493, MONDO:0060621, OMIM 617802.

Allele frequency attached by ClinVar (database versions not stated): gnomAD exomes below 0.00001 and 0.00001.
gnomAD v4.1: 3 of 1,613,028 alleles (0.00019%); no homozygotes.

Submission:

Rady Children's Institute for Genomic Medicine, Rady Children's Hospital San Diego
Classification: Likely pathogenic for Neurodevelopmental disorder with microcephaly, seizures, and cortical atrophy. Last evaluated: 2017-10-24. Review status: no assertion criteria provided. Collection method: clinical testing. Allele origin: germline. Inheritance: Autosomal recessive inheritance. Affected: yes.
Comment: Variants in VARS have been linked to a recessive disorder involving cortical atrophy, seizures, and microcephaly (Kucera et al. 2015). The c.1981C>A, p.Pro66Thr variant is a novel missense variant in a gene that is missense intolerant (Z-score: 2.95). The amino acid residue is highly conserved among eukaryotes and is predicted to be damaging by in silico methods. There is one report of the allele in the public reference database, gnomAD, with no homozygous individuals, thus the variant is presumed rare. While there are no reports of this variant, other homozygous missense VARS variants have been linked to individuals with neurological findings including seizures, cortical atrophy, and microcephaly. Based on these lines of evidence, the variant is classified as likely pathogenic.